The following is an entry in ClinVar:

ClinVar aggregate classification (germline): Pathogenic (1 of 4 stars; one submission).

Submission:

Labcorp Genetics (formerly Invitae), Labcorp
Classification: Pathogenic. Last evaluated: 2022-04-11. Review status: criteria provided, single submitter. Criteria: Invitae Variant Classification Sherloc (09022015). Collection method: clinical testing. Allele origin: germline.
Comment: For these reasons, this variant has been classified as Pathogenic. This variant has not been reported in the literature in individuals affected with STAG1-related conditions. This variant is not present in population databases (gnomAD no frequency). This sequence change creates a premature translational stop signal (p.Asp706Ilefs*15) in the STAG1 gene. It is expected to result in an absent or disrupted protein product. Loss-of-function variants in STAG1 are known to be pathogenic (PMID: 28119487).

Literature cited by the submitters: PubMed 28119487.

NM_005862.3(STAG1):c.2116del (p.Asp706fs)

Gene: STAG1 (STAG1 cohesin complex component; minus strand). Cytogenetic location: 3q22.3.
Variant type: Deletion.
Coding change: c.2116del on transcript NM_005862.3 (MANE Select); coding-DNA position 2116, one base deleted (G; older notation c.2116delG).
Protein change: p.Asp706fs; shifts the reading frame from aspartic acid 706.
Molecular consequence: frameshift variant.
Genome position (GRCh38, 1-based): chr3:136,417,965, C deleted on the plus strand (G on the coding strand, the reverse complement: STAG1 is on the minus strand). VCF-style (leftmost placement, unchanged base first): chr3-136417964-TC-T. GRCh37 (hg19) VCF-style: chr3-136136806-TC-T.
Other names: short protein forms D706fs.
Identifiers: ClinVar variation 2124580 (VCV002124580.4), dbSNP rs2530371465, ClinGen allele CA2580068817.